The following is an entry in ClinVar:

ClinVar aggregate classification (germline): Conflicting classifications of pathogenicity. Review status: criteria provided, conflicting classifications (1 of 4 stars). 2 submissions from 2 submitters: Uncertain significance (1); Likely benign (1). Last evaluated 2024-10-16.

Conditions:
Inborn genetic diseases. Identifiers: MedGen C0950123, MeSH D030342.

Allele frequency attached by ClinVar (database versions not stated): gnomAD exomes 0.00003 and 0.00005; ExAC 0.00007.
gnomAD v4.1: 40 of 1,613,406 alleles (0.0025%); highest among the groups gnomAD compares: South Asian, 0.044%; 1 homozygote.

Submissions (2):

Labcorp Genetics (formerly Invitae), Labcorp
Classification: Uncertain significance. Last evaluated: 2024-10-16. Review status: criteria provided, single submitter. Criteria: Invitae Variant Classification Sherloc (09022015). Collection method: clinical testing. Allele origin: germline.
Comment: This sequence change replaces threonine, which is neutral and polar, with alanine, which is neutral and non-polar, at codon 276 of the ILDR1 protein (p.Thr276Ala). This variant is present in population databases (rs779600354, gnomAD 0.05%). This variant has not been reported in the literature in individuals affected with ILDR1-related conditions. ClinVar contains an entry for this variant (Variation ID: 1514697). An algorithm developed to predict the effect of missense changes on protein structure and function outputs the following: PolyPhen-2: "Benign". The alanine amino acid residue is found in multiple mammalian species, which suggests that this missense change does not adversely affect protein function. In summary, the available evidence is currently insufficient to determine the role of this variant in disease. Therefore, it has been classified as a Variant of Uncertain Significance.

Ambry Genetics
Classification: Likely benign for Inborn genetic diseases. Last evaluated: 2024-05-14. Review status: criteria provided, single submitter. Criteria: Ambry Variant Classification Scheme 2023. Collection method: clinical testing. Allele origin: germline.

NM_001199799.2(ILDR1):c.826A>G (p.Thr276Ala)

Gene: ILDR1 (immunoglobulin like domain containing receptor 1; minus strand). Cytogenetic location: 3q13.33.
Variant type: single nucleotide variant.
Coding change: c.826A>G on transcript NM_001199799.2 (MANE Select); coding-DNA position 826, A replaced by G.
Protein change: p.Thr276Ala; replaces threonine 276 with alanine.
Molecular consequence: missense variant.
Genome position (GRCh38, 1-based): chr3:121,993,923, T>C on the plus strand (A>G on the coding strand, the complement: ILDR1 is on the minus strand). VCF-style: chr3-121993923-T-C. GRCh37 (hg19) VCF-style: chr3-121712770-T-C.
Other names: c.559A>G, p.Thr187Ala (NM_001199800.2); c.694A>G, p.Thr232Ala (NM_175924.4); c.826A>G (NM_001199799.1); short protein forms T187A, T232A, T276A.
Identifiers: ClinVar variation 1514697 (VCV001514697.6), dbSNP rs779600354, ClinGen allele CA2568810.